The following is an entry in ClinVar:

ClinVar aggregate classification (germline): Uncertain significance (1 of 4 stars; one submission).

gnomAD v4.1: 1 of 1,610,948 alleles (0.000062%); highest among the groups gnomAD compares: Non-Finnish European, 0.000085%; no homozygotes.

Submission:

Labcorp Genetics (formerly Invitae), Labcorp
Classification: Uncertain significance. Last evaluated: 2024-10-29. Review status: criteria provided, single submitter. Criteria: Invitae Variant Classification Sherloc (09022015). Collection method: clinical testing. Allele origin: germline.
Comment: This sequence change affects codon 25 of the GPR45 mRNA. It is a 'silent' change, meaning that it does not change the encoded amino acid sequence of the GPR45 protein. This variant is not present in population databases (gnomAD no frequency). This variant has not been reported in the literature in individuals affected with GPR45-related conditions. In summary, the available evidence is currently insufficient to determine the role of this variant in disease. Therefore, it has been classified as a Variant of Uncertain Significance.

NM_007227.3(GPR45):c.75G>T (p.Gly25=)

Gene: GPR45 (G protein-coupled receptor 45; plus strand). Cytogenetic location: 2q12.1.
Variant type: single nucleotide variant.
Coding change: c.75G>T on transcript NM_007227.3 (MANE Select); coding-DNA position 75, G replaced by T.
Protein change: p.Gly25=; no amino-acid change (glycine 25 retained).
Molecular consequence: synonymous variant.
Genome position (GRCh38, 1-based): chr2:105,241,933, G>T. VCF-style: chr2-105241933-G-T. GRCh37 (hg19) VCF-style: chr2-105858390-G-T.
Identifiers: ClinVar variation 3644654 (VCV003644654.2).